The following is an entry in ClinVar:

NM_002224.4(ITPR3):c.2444A>G (p.Tyr815Cys)

Gene: ITPR3 (inositol 1,4,5-trisphosphate receptor type 3; plus strand). Cytogenetic location: 6p21.31.
Variant type: single nucleotide variant.
Coding change: c.2444A>G on transcript NM_002224.4 (MANE Select); coding-DNA position 2444, A replaced by G.
Protein change: p.Tyr815Cys; replaces tyrosine 815 with cysteine.
Molecular consequence: missense variant.
Genome position (GRCh38, 1-based): chr6:33,670,673, A>G. VCF-style: chr6-33670673-A-G. GRCh37 (hg19) VCF-style: chr6-33638450-A-G.
Other names: short protein forms Y815C.
Identifiers: ClinVar variation 2330790 (VCV002330790.4), dbSNP rs201031155, ClinGen allele CA3760584.

ClinVar aggregate classification (germline): Conflicting classifications of pathogenicity. Review status: criteria provided, conflicting classifications (1 of 4 stars). 2 submissions from 2 submitters: Uncertain significance (1); Likely benign (1). Last evaluated 2026-06-09.

Allele frequency attached by ClinVar (database versions not stated): gnomAD 0.00001; gnomAD exomes 0.00003; TOPMed below 0.00001; ExAC 0.00001.

Submissions (2):

Ambry Genetics
Classification: Uncertain significance. Last evaluated: 2026-06-09. Review status: criteria provided, single submitter. Criteria: Ambry Variant Classification Scheme 2023. Collection method: clinical testing. Allele origin: germline.

Centre for Clinical Genetics and Genomic Diagnostics, Zealand University Hospital
Classification: Likely benign. Last evaluated: 2024-09-13. Review status: criteria provided, single submitter. Criteria: ACMG Guidelines, 2015. Collection method: clinical testing. Allele origin: germline.